The following continues an entry in ClinVar:

NM_002485.5(NBN):c.456G>A (p.Met152Ile)

Gene: NBN. ClinVar aggregate classification (germline): Conflicting classifications of pathogenicity. Uncertain significance (13); Likely benign (3).

Submissions 11 to 19 of 19:

Sema4
Classification: Uncertain significance for Hereditary cancer-predisposing syndrome. Last evaluated: 2021-08-06. Review status: criteria provided, single submitter. Criteria: Sema4 Curation Guidelines. Collection method: curation. Allele origin: germline.
Comment: The NBN c.456G>A (p.M152I) variant has been reported in heterozygosity in several individuals with ovarian, breast, and/or colorectal cancer (PMID: 26315354, 30306255, 28528518, 27978560, 28135145, 25980754). It was observed in 24/129046 chromosomes of the Non-Finnish European subpopulation, with no homozygotes, in the large and broad cohorts of the Genome Aggregation Database (PMID: 32461654). The variant has been reported in ClinVar (Variation ID: 127872). Functional studies have not been performed, and in silico predictions of the variant's effect on protein function are inconclusive. The evidence is insufficient to meet ACMG/AMP criteria for classifying the variant as benign or pathogenic. Thus, the clinical significance of this variant is currently uncertain.

Ambry Genetics
Classification: Likely benign for Hereditary cancer-predisposing syndrome. Last evaluated: 2020-06-05. Review status: criteria provided, single submitter. Criteria: Ambry Variant Classification Scheme 2023. Collection method: clinical testing. Allele origin: germline.

Baylor Genetics
Classification: Uncertain significance for Microcephaly, normal intelligence and immunodeficiency. Last evaluated: 2019-08-27. Review status: criteria provided, single submitter. Criteria: ACMG Guidelines, 2015. Collection method: clinical testing. Allele origin: unknown. Affected: yes. Study: CSER-TexasKidsCanSeq.
Comment: This variant was determined to be of uncertain significance according to ACMG Guidelines, 2015 [PMID:25741868].

Eurofins Ntd Llc (ga)
Classification: Uncertain significance. Last evaluated: 2018-02-16. Review status: criteria provided, single submitter. Criteria: EGL ClinVar v180209 classification definitions. Collection method: clinical testing. Allele origin: germline. Observed: 2 variant alleles, 2 heterozygotes.

Illumina Laboratory Services, Illumina
Classification: Uncertain significance for Microcephaly, normal intelligence and immunodeficiency. Last evaluated: 2017-06-06. Review status: criteria provided, single submitter. Criteria: ICSL Variant Classification Criteria 13 December 2019. Collection method: clinical testing. Allele origin: germline.
Comment: This variant was observed as part of a predisposition screen in an ostensibly healthy population. A literature search was performed for the gene, cDNA change, and amino acid change (where applicable). Publications were found based on this search. However, the evidence from the literature, in combination with allele frequency data from public databases where available, was not sufficient to rule this variant in or out of causing disease. Therefore, this variant is classified as a variant of unknown significance.

Fulgent Genetics
Classification: Uncertain significance for Microcephaly, normal intelligence and immunodeficiency; Aplastic anemia; Acute lymphoid leukemia. Last evaluated: 2017-05-23. Review status: criteria provided, single submitter. Criteria: ACMG Guidelines, 2015. Collection method: clinical testing. Allele origin: unknown.

Natera, Inc.
Classification: Uncertain significance for Nijmegen breakage syndrome. Last evaluated: 2020-09-16. Review status: no assertion criteria provided. Collection method: clinical testing. Allele origin: germline. Not counted in ClinVar's aggregate classification.

True Health Diagnostics
Classification: Uncertain significance for Hereditary cancer-predisposing syndrome. Last evaluated: 2018-07-16. Review status: no assertion criteria provided. Collection method: clinical testing. Allele origin: germline. Not counted in ClinVar's aggregate classification.

Department of Pathology and Laboratory Medicine, Sinai Health System
Classification: Uncertain significance for Malignant tumor of breast. Review status: no assertion criteria provided. Collection method: clinical testing. Allele origin: unknown. Affected: yes. Study: The Canadian Open Genetics Repository (COGR). Not counted in ClinVar's aggregate classification.
Comment: The NBN p.Met152Ile variant was identified in 4 of 10048 proband chromosomes (frequency: 0.0004) from individuals or families with colon, breast or ovarian cancer and was not identified in 6862 control chromosomes from healthy individuals (Cock-Rada 2018, Pearlman 2016, Ramus 2015, Yurgelun 2015). The variant was also identified in dbSNP (ID: rs201816949) as "With Uncertain significance allele", and in ClinVar (classified as uncertain significance by Invitae, Ambry Genetics and five other submitters ). The variant was not identified in LOVD 3.0. The variant was identified in control databases in 34 of 276952 chromosomes at a frequency of 0.0001 increasing the likelihood this could be a low frequency benign variant (Genome Aggregation Database Feb 27, 2017). The variant was observed in the following populations: African in 2 of 24016 chromosomes (freq: 0.00008), Other in 1 of 6454 chromosomes (freq: 0.0002), Latino in 2 of 34410 chromosomes (freq: 0.00006), European in 28 of 126568 chromosomes (freq: 0.0002), Finnish in 1 of 25714 chromosomes (freq: 0.00004), while the variant was not observed in the Ashkenazi Jewish, East Asian, and South Asian populations. The p.Met152 residue is conserved in mammals and computational analyses (PolyPhen-2, SIFT, AlignGVGD, BLOSUM, MutationTaster) provide inconsistent predictions regarding the impact to the protein; this information is not very predictive of pathogenicity. The variant occurs outside of the splicing consensus sequence and 2 of 4 in silico or computational prediction software programs (SpliceSiteFinder, MaxEntScan, NNSPLICE, GeneSplicer) predict a greater than 10% difference in splicing; this is not very predictive of pathogenicity. In summary, based on the above information the clinical significance of this variant cannot be determined with certainty at this time. This variant is classified as a variant of uncertain significance.

Literature cited by the submitters: PubMed 36346689 (cited by Quest Diagnostics Nichols Institute San Juan Capistrano and Women's Health and Genetics/Laboratory Corporation of America, LabCorp); PubMed 34964003 (cited by Quest Diagnostics Nichols Institute San Juan Capistrano); PubMed 30541756 (cited by Quest Diagnostics Nichols Institute San Juan Capistrano); PubMed 31911633 (cited by Quest Diagnostics Nichols Institute San Juan Capistrano); PubMed 23555315 (cited by Quest Diagnostics Nichols Institute San Juan Capistrano); PubMed 35739269 (cited by Quest Diagnostics Nichols Institute San Juan Capistrano); PubMed 32885271 (cited by Quest Diagnostics Nichols Institute San Juan Capistrano); PubMed 24894818 (cited by Quest Diagnostics Nichols Institute San Juan Capistrano); PubMed 32832836 (cited by Quest Diagnostics Nichols Institute San Juan Capistrano); PubMed 33471991 (cited by Quest Diagnostics Nichols Institute San Juan Capistrano); PubMed 34326862 (cited by Quest Diagnostics Nichols Institute San Juan Capistrano); PubMed 38446568 (cited by Quest Diagnostics Nichols Institute San Juan Capistrano and Women's Health and Genetics/Laboratory Corporation of America, LabCorp); PubMed 31874108 (cited by Quest Diagnostics Nichols Institute San Juan Capistrano and Women's Health and Genetics/Laboratory Corporation of America, LabCorp); PubMed 33095795 (cited by Quest Diagnostics Nichols Institute San Juan Capistrano and Women's Health and Genetics/Laboratory Corporation of America, LabCorp); PubMed 28528518 (cited by 4 submitters); PubMed 26315354 (cited by 5 submitters); PubMed 27978560 (cited by 4 submitters); PubMed 25980754 (cited by 3 submitters); PubMed 28135145 (cited by Quest Diagnostics Nichols Institute San Juan Capistrano and Sema4); PubMed 30306255 (cited by 3 submitters).